The following is an entry in ClinVar:

NM_014956.5(CEP164):c.3279C>T (p.Ser1093=)

Gene: CEP164 (centrosomal protein 164; plus strand). Cytogenetic location: 11q23.3.
Variant type: single nucleotide variant.
Coding change: c.3279C>T on transcript NM_014956.5 (MANE Select); coding-DNA position 3279, C replaced by T.
Protein change: p.Ser1093=; no amino-acid change (serine 1093 retained).
Molecular consequence: synonymous variant.
Genome position (GRCh38, 1-based): chr11:117,397,091, C>T. VCF-style: chr11-117397091-C-T. GRCh37 (hg19) VCF-style: chr11-117267807-C-T.
Other names: c.3288C>T, p.Ser1096= (NM_001271933.2).
Identifiers: ClinVar variation 935928 (VCV000935928.8), dbSNP rs766038184, ClinGen allele CA6295410.

ClinVar aggregate classification (germline): Conflicting classifications of pathogenicity. Review status: criteria provided, conflicting classifications (1 of 4 stars). 4 submissions from 4 submitters: Uncertain significance (1); Likely benign (3). Last evaluated 2025-11-12.

Conditions:
CEP164-related disorder. Also called: CEP164-related condition.
Inborn genetic diseases. Identifiers: MedGen C0950123, MeSH D030342.
Nephronophthisis 15 (NPHP15). Identifiers: Orphanet 3156, MedGen C3541853, MONDO:0013917, OMIM 614845.

Allele frequency attached by ClinVar (database versions not stated): ExAC 0.00003; gnomAD exomes 0.00004 and 0.00012; TOPMed 0.00006; gnomAD 0.00004.
gnomAD v4.1: 184 of 1,613,350 alleles (0.011%); highest among the groups gnomAD compares: Non-Finnish European, 0.015%; no homozygotes.

Submissions (4):

Ambry Genetics
Classification: Likely benign for Inborn genetic diseases. Last evaluated: 2025-11-12. Review status: criteria provided, single submitter. Criteria: Ambry Variant Classification Scheme 2023. Collection method: clinical testing. Allele origin: germline.

PreventionGenetics, part of Exact Sciences
Classification: Likely benign for CEP164-related condition. Last evaluated: 2025-06-14. Review status: criteria provided, single submitter. Criteria: ACMG Guidelines, 2015. Collection method: clinical testing. Allele origin: germline.
Comment: This variant is classified as likely benign based on ACMG/AMP sequence variant interpretation guidelines (Richards et al. 2015 PMID: 25741868, with internal and published modifications).

Blueprint Genetics
Classification: Likely benign. Last evaluated: 2024-08-01. Review status: criteria provided, single submitter. Criteria: ACMG Guidelines, 2015. Collection method: clinical testing. Allele origin: germline.

Labcorp Genetics (formerly Invitae), Labcorp
Classification: Uncertain significance for Nephronophthisis 15. Last evaluated: 2022-08-16. Review status: criteria provided, single submitter. Criteria: Invitae Variant Classification Sherloc (09022015). Collection method: clinical testing. Allele origin: germline.
Comment: This sequence change affects codon 1093 of the CEP164 mRNA. It is a 'silent' change, meaning that it does not change the encoded amino acid sequence of the CEP164 protein. It affects a nucleotide within the consensus splice site. This variant is present in population databases (rs766038184, gnomAD 0.008%). This variant has not been reported in the literature in individuals affected with CEP164-related conditions. ClinVar contains an entry for this variant (Variation ID: 935928). Algorithms developed to predict the effect of sequence changes on RNA splicing suggest that this variant is not likely to affect RNA splicing. In summary, the available evidence is currently insufficient to determine the role of this variant in disease. Therefore, it has been classified as a Variant of Uncertain Significance.